The following is an entry in ClinVar:

NM_004612.4(TGFBR1):c.673C>T (p.Arg225Trp)

Gene: TGFBR1 (transforming growth factor beta receptor 1; plus strand). Cytogenetic location: 9q22.33.
Variant type: single nucleotide variant.
Coding change: c.673C>T on transcript NM_004612.4 (MANE Select); coding-DNA position 673, C replaced by T.
Protein change: p.Arg225Trp; replaces arginine 225 with tryptophan.
Molecular consequence: missense variant.
Genome position (GRCh38, 1-based): chr9:99,137,957, C>T. VCF-style: chr9-99137957-C-T. GRCh37 (hg19) VCF-style: chr9-101900239-C-T.
Other names: c.442C>T, p.Arg148Trp (NM_001130916.3); c.685C>T, p.Arg229Trp (NM_001306210.2); short protein forms R225W, R229W, R148W.
Identifiers: ClinVar variation 949020 (VCV000949020.13), dbSNP rs1564161544, ClinGen allele CA374229645.

ClinVar aggregate classification (germline): Conflicting classifications of pathogenicity. Review status: criteria provided, conflicting classifications (1 of 4 stars). 3 submissions from 3 submitters: Likely pathogenic (1); Uncertain significance (2). Last evaluated 2025-11-19.

Conditions:
Familial thoracic aortic aneurysm and aortic dissection (TAAD). Also called: Thoracic aortic aneurysms and dissections. Identifiers: Orphanet 91387, MedGen C4707243, MONDO:0019625.
Loeys-Dietz syndrome 1 (LDS1). Also called: TGFBR1-Related Loeys-Dietz Syndrome; FURLONG SYNDROME; AORTIC ANEURYSM, FAMILIAL THORACIC 5. Identifiers: Orphanet 60030, MedGen C4551955, MONDO:0012212, OMIM 609192.

Allele frequency attached by ClinVar (database versions not stated): TOPMed below 0.00001.
gnomAD v4.1: 5 of 1,613,914 alleles (0.00031%); highest among the groups gnomAD compares: East Asian, 0.0022%; no homozygotes.

Submissions (3):

Labcorp Genetics (formerly Invitae), Labcorp
Classification: Uncertain significance for Familial thoracic aortic aneurysm and aortic dissection. Last evaluated: 2025-11-19. Review status: criteria provided, single submitter. Criteria: Invitae Variant Classification Sherloc (09022015). Collection method: clinical testing. Allele origin: germline.
Comment: This sequence change replaces arginine, which is basic and polar, with tryptophan, which is neutral and slightly polar, at codon 225 of the TGFBR1 protein (p.Arg225Trp). This variant is present in population databases (no rsID available, gnomAD 0.006%). This missense change has been observed in individual(s) with clinical features of thoracic aortic aneurysm and/or clinical features TGFBR1-related conditions (PMID: 30739908, 33436942; internal data). ClinVar contains an entry for this variant (Variation ID: 949020). Invitae Evidence Modeling of protein sequence and biophysical properties (such as structural, functional, and spatial information, amino acid conservation, physicochemical variation, residue mobility, and thermodynamic stability) has been performed for this missense variant. However, the output from this modeling did not meet the statistical confidence thresholds required to predict the impact of this variant on TGFBR1 protein function. In summary, the available evidence is currently insufficient to determine the role of this variant in disease. Therefore, it has been classified as a Variant of Uncertain Significance.

Color Diagnostics, LLC DBA Color Health
Classification: Uncertain significance for Familial thoracic aortic aneurysm and aortic dissection. Last evaluated: 2021-10-20. Review status: criteria provided, single submitter. Criteria: ACMG Guidelines, 2015. Collection method: clinical testing. Allele origin: germline.
Comment: This missense variant replaces arginine with tryptophan at codon 225 of the TGFBR1 protein. Computational prediction is inconclusive regarding the impact of this variant on protein structure and function (internally defined REVEL score threshold 0.5 < inconclusive < 0.7, PMID: 27666373). To our knowledge, functional studies have not been reported for this variant. This variant has been reported in an individual affected with nonsyndromic heritable thoracic aortic aneurysms and dissection (PMID: 30739908) and in two related individuals affected with Marfan syndrome or related disorders (PMID: 33436942). This variant has been identified in 1/250616 chromosomes in the general population by the Genome Aggregation Database (gnomAD). The available evidence is insufficient to determine the role of this variant in disease conclusively. Therefore, this variant is classified as a Variant of Uncertain Significance.

Kasturba Medical College, Manipal, Kasturba Medical College, Manipal, Manipal Academy of Higher Education, Manipal, India
Classification: Likely pathogenic for Loeys-Dietz syndrome 1. Review status: criteria provided, single submitter. Criteria: ACMG Guidelines, 2015. Collection method: research. Allele origin: inherited. Inheritance: Autosomal dominant inheritance. Affected: yes.

Literature cited by the submitters: PubMed 30739908 (cited by Labcorp Genetics (formerly Invitae), Labcorp and Color Diagnostics, LLC DBA Color Health); PubMed 33436942 (cited by Labcorp Genetics (formerly Invitae), Labcorp and Color Diagnostics, LLC DBA Color Health).